The following is an entry in ClinVar:

NM_006734.4(HIVEP2):c.7306A>C (p.Lys2436Gln)

Gene: HIVEP2 (HIVEP zinc finger 2; minus strand). Cytogenetic location: 6q24.2.
Variant type: single nucleotide variant.
Coding change: c.7306A>C on transcript NM_006734.4 (MANE Select); coding-DNA position 7306, A replaced by C.
Protein change: p.Lys2436Gln; replaces lysine 2436 with glutamine.
Molecular consequence: missense variant.
Genome position (GRCh38, 1-based): chr6:142,753,142, T>G on the plus strand (A>C on the coding strand, the complement: HIVEP2 is on the minus strand). VCF-style: chr6-142753142-T-G. GRCh37 (hg19) VCF-style: chr6-143074279-T-G.
Other names: short protein forms K2436Q.
Identifiers: ClinVar variation 2820001 (VCV002820001.5), dbSNP rs2482727997, ClinGen allele CA365940595.

ClinVar aggregate classification (germline): Uncertain significance. Review status: criteria provided, multiple submitters, no conflicts (2 of 4 stars). 2 submissions from 2 submitters: Uncertain significance (2). Last evaluated 2025-07-28.

Conditions:
Intellectual developmental disorder, autosomal dominant 43. Also called: Intellectual disability, autosomal dominant 43. Identifiers: MedGen C4707429, MONDO:0014858, OMIM 616977.

Submissions (2):

Labcorp Genetics (formerly Invitae), Labcorp
Classification: Uncertain significance. Last evaluated: 2025-07-28. Review status: criteria provided, single submitter. Criteria: Invitae Variant Classification Sherloc (09022015). Collection method: clinical testing. Allele origin: germline.
Comment: This sequence change replaces lysine, which is basic and polar, with glutamine, which is neutral and polar, at codon 2436 of the HIVEP2 protein (p.Lys2436Gln). This variant is not present in population databases (gnomAD no frequency). This variant has not been reported in the literature in individuals affected with HIVEP2-related conditions. ClinVar contains an entry for this variant (Variation ID: 2820001). An algorithm developed to predict the effect of missense changes on protein structure and function (PolyPhen-2) suggests that this variant is likely to be tolerated. In summary, the available evidence is currently insufficient to determine the role of this variant in disease. Therefore, it has been classified as a Variant of Uncertain Significance.

Dasa
Classification: Uncertain significance for Intellectual developmental disorder, autosomal dominant 43. Last evaluated: 2025-06-02. Review status: criteria provided, single submitter. Criteria: DASA Assertion Criteria. Collection method: clinical testing. Allele origin: germline.
Comment: NM_006734.4(HIVEP2):c.7306A>C (p.Lys2436Gln) is a missense variant that results in the substitution of lysine with glutamine. This variant is absent from population databases. Computational prediction algorithms are consistent with a benign effect. The currently available literature and clinical evidence are not sufficient to establish a definitive association between this variant and the reported condition. Therefore, this variant is classified as a variant of uncertain significance.